The following is an entry in ClinVar:

NM_002691.4(POLD1):c.449C>A (p.Thr150Asn)

Gene: POLD1 (DNA polymerase delta 1, catalytic subunit; plus strand). Cytogenetic location: 19q13.33.
Variant type: single nucleotide variant.
Coding change: c.449C>A on transcript NM_002691.4 (MANE Select); coding-DNA position 449, C replaced by A.
Protein change: p.Thr150Asn; replaces threonine 150 with asparagine.
Molecular consequence: missense variant. On other transcripts: non-coding transcript variant (1).
Genome position (GRCh38, 1-based): chr19:50,401,910, C>A. VCF-style: chr19-50401910-C-A. GRCh37 (hg19) VCF-style: chr19-50905167-C-A.
Other names: c.449C>A, p.Thr150Asn (NM_001256849.1, NM_001308632.1); short protein forms T150N.
Identifiers: ClinVar variation 2625397 (VCV002625397.2), dbSNP rs1555789803, ClinGen allele CA406972740.

ClinVar aggregate classification (germline): Uncertain significance (1 of 4 stars; one submission).

Conditions:
Hereditary cancer-predisposing syndrome. Also called: Tumor predisposition; Hereditary Cancer Syndrome; Hereditary neoplastic syndrome; Neoplastic Syndromes, Hereditary. Identifiers: Orphanet 140162, MedGen C0027672, MeSH D009386, MONDO:0015356.

Submission:

Ambry Genetics
Classification: Uncertain significance for Hereditary cancer-predisposing syndrome. Last evaluated: 2023-07-11. Review status: criteria provided, single submitter. Criteria: Ambry Variant Classification Scheme 2023. Collection method: clinical testing. Allele origin: germline.
Comment: The p.T150N variant (also known as c.449C>A), located in coding exon 3 of the POLD1 gene, results from a C to A substitution at nucleotide position 449. The threonine at codon 150 is replaced by asparagine, an amino acid with similar properties. This amino acid position is conserved. In addition, this alteration is predicted to be tolerated by in silico analysis. Since supporting evidence is limited at this time, the clinical significance of this alteration remains unclear.